The following is an entry in ClinVar:

NM_001029883.3(PCARE):c.979C>T (p.Gln327Ter)

Gene: PCARE (photoreceptor cilium actin regulator; minus strand). Cytogenetic location: 2p23.2.
Variant type: single nucleotide variant.
Coding change: c.979C>T on transcript NM_001029883.3 (MANE Select); coding-DNA position 979, C replaced by T.
Protein change: p.Gln327Ter; replaces glutamine 327 with a stop codon.
Molecular consequence: nonsense.
Genome position (GRCh38, 1-based): chr2:29,073,283, G>A on the plus strand (C>T on the coding strand, the complement: PCARE is on the minus strand). VCF-style: chr2-29073283-G-A. GRCh37 (hg19) VCF-style: chr2-29296149-G-A.
Other names: short protein forms Q327*.
Identifiers: ClinVar variation 1458821 (VCV001458821.6), dbSNP rs2148416620, ClinGen allele CA346481156.

ClinVar aggregate classification (germline): Pathogenic (1 of 4 stars; one submission).

gnomAD v4.1: 1 of 1,614,176 alleles (0.000062%); highest among the groups gnomAD compares: Admixed American, 0.0017%; no homozygotes.

Submission:

Labcorp Genetics (formerly Invitae), Labcorp
Classification: Pathogenic. Last evaluated: 2022-03-04. Review status: criteria provided, single submitter. Criteria: Invitae Variant Classification Sherloc (09022015). Collection method: clinical testing. Allele origin: germline.
Comment: This sequence change creates a premature translational stop signal (p.Gln327*) in the PCARE gene. It is expected to result in an absent or disrupted protein product. Loss-of-function variants in PCARE are known to be pathogenic (PMID: 20398886, 24339724, 26496393). This variant is not present in population databases (gnomAD no frequency). This variant has not been reported in the literature in individuals affected with PCARE-related conditions. Algorithms developed to predict the effect of sequence changes on RNA splicing suggest that this variant may create or strengthen a splice site. For these reasons, this variant has been classified as Pathogenic.

Literature cited by the submitters: PubMed 20398886; PubMed 24339724; PubMed 26496393.